The following is an entry in ClinVar:

ClinVar aggregate classification (germline): Uncertain significance (1 of 4 stars; one submission).

Submission:

GeneDx
Classification: Uncertain significance. Last evaluated: 2025-01-17. Review status: criteria provided, single submitter. Criteria: GeneDx Variant Classification Process June 2021. Collection method: clinical testing. Allele origin: germline. Affected: yes.
Comment: Not observed at significant frequency in large population cohorts (gnomAD); In silico analysis indicates that this missense variant does not alter protein structure/function; Has not been previously published as pathogenic or benign to our knowledge; This variant is associated with the following publications: (PMID: 22779007)

NM_001323289.2(CDKL5):c.2350A>G (p.Lys784Glu)

Gene: CDKL5 (cyclin dependent kinase like 5; plus strand). Cytogenetic location: Xp22.13.
Variant type: single nucleotide variant.
Coding change: c.2350A>G on transcript NM_001323289.2 (MANE Select); coding-DNA position 2350, A replaced by G.
Protein change: p.Lys784Glu; replaces lysine 784 with glutamic acid.
Molecular consequence: missense variant.
Genome position (GRCh38, 1-based): chrX:18,619,940, A>G. VCF-style: chrX-18619940-A-G. GRCh37 (hg19) VCF-style: chrX-18638060-A-G.
Other names: c.2350A>G, p.Lys784Glu (NM_001037343.2, NM_003159.3); short protein forms K784E.
Identifiers: ClinVar variation 4070804 (VCV004070804.1).
Genomic context (GRCh38, chrX:18,619,940, plus strand): 5'-AATATTAGTCATTCAGAGCAACTCAAGGAAAAAGAGAAGCAAGGATTTTTCAGGTCAATG[A>G]AAAAGAAAAAGAAGAAATCTCAAACAGTAAGTAGATGACCAGTTTCTATATATAATAACA-3'
Protein context (NP_001310218.1, residues 774-794): KEKQGFFRSM[Lys784Glu]KKKKKSQTVP